The following is an entry in ClinVar:

ClinVar aggregate classification (germline): Pathogenic. Review status: criteria provided, multiple submitters, no conflicts (2 of 4 stars). 2 submissions from 2 submitters: Pathogenic (2). Last evaluated 2026-06-16.

Conditions:
CASR-related disorder. Also called: CASR-related condition.
Familial hypocalciuric hypercalcemia (FHH). Also called: Familial benign hypercalcemia. Identifiers: Orphanet 405, MedGen C1809471, MONDO:0018458.
Autosomal dominant hypocalcemia 1 (HYPOC1). Also called: HYPOCALCEMIA, FAMILIAL. Identifiers: MedGen C3715128, MONDO:0011013, OMIM 601198.

Allele frequency attached by ClinVar (database versions not stated): gnomAD exomes below 0.00001.
gnomAD v4.1: 3 of 1,614,094 alleles (0.00019%); highest among the groups gnomAD compares: Non-Finnish European, 0.00025%; no homozygotes.

Submissions (2):

PreventionGenetics, part of Exact Sciences
Classification: Pathogenic for CASR-related condition. Last evaluated: 2026-06-16. Review status: criteria provided, single submitter. Criteria: ACMG Guidelines, 2015. Collection method: clinical testing. Allele origin: germline.
Comment: The CASR c.1850C>A variant is predicted to result in premature protein termination (p.Ser617*). This variant was reported in an individual with hypercalcemia (reported as NM_000388:c.1820C>A, p.Ser607*, Pearce et al. 1995. PubMed ID: 8675635). This variant occurs in the last exon of the CASR gene and is not expected to result in nonsense mediated decay, however it is expected to disrupt the last 472 amino acids of the protein, and nonsense variants downstream of this variant have been reported to be causative (Human Gene Mutation Database). This variant has not been reported in a large population database (gnomAD), indicating this variant is rare. Nonsense variants in CASR are expected to be pathogenic. This variant is interpreted as pathogenic.

Labcorp Genetics (formerly Invitae), Labcorp
Classification: Pathogenic for Familial hypocalciuric hypercalcemia; Autosomal dominant hypocalcemia 1. Last evaluated: 2023-09-03. Review status: criteria provided, single submitter. Criteria: Invitae Variant Classification Sherloc (09022015). Collection method: clinical testing. Allele origin: germline.
Comment: This sequence change creates a premature translational stop signal (p.Ser607*) in the CASR gene. While this is not anticipated to result in nonsense mediated decay, it is expected to disrupt the last 472 amino acid(s) of the CASR protein. This variant is not present in population databases (gnomAD no frequency). This premature translational stop signal has been observed in individual(s) with hypercalcemia (PMID: 8675635). This variant disrupts a region of the CASR protein in which other variant(s) (p.Arg886Trp) have been determined to be pathogenic (PMID: 17698911). This suggests that this is a clinically significant region of the protein, and that variants that disrupt it are likely to be disease-causing. For these reasons, this variant has been classified as Pathogenic.

Literature cited by the submitters: PubMed 8675635 (cited by Labcorp Genetics (formerly Invitae), Labcorp); PubMed 17698911 (cited by Labcorp Genetics (formerly Invitae), Labcorp).

NM_000388.4(CASR):c.1820C>A (p.Ser607Ter)

Gene: CASR (calcium sensing receptor; plus strand). Cytogenetic location: 3q21.1.
Variant type: single nucleotide variant.
Coding change: c.1820C>A on transcript NM_000388.4 (MANE Select); coding-DNA position 1820, C replaced by A.
Protein change: p.Ser607Ter; replaces serine 607 with a stop codon.
Molecular consequence: nonsense.
Genome position (GRCh38, 1-based): chr3:122,283,774, C>A. VCF-style: chr3-122283774-C-A. GRCh37 (hg19) VCF-style: chr3-122002621-C-A.
Other names: c.1850C>A, p.Ser617Ter (NM_001178065.2); c.1850C>A (NM_001178065.1); short protein forms S607*, S617*.
Identifiers: ClinVar variation 2925363 (VCV002925363.4), dbSNP rs1052956823, ClinGen allele CA354157486.
Genomic context (GRCh38, chr3:122,283,774, plus strand): 5'-ATGACTTCTGGTCCAATGAGAACCACACCTCCTGCATTGCCAAGGAGATCGAGTTTCTGT[C>A]GTGGACGGAGCCCTTTGGGATCGCACTCACCCTCTTTGCCGTGCTGGGCATTTTCCTGAC-3'